The following is an entry in ClinVar:

ClinVar aggregate classification (germline): Uncertain significance (1 of 4 stars; one submission).

Conditions:
Cerebellar dysfunction with variable cognitive and behavioral abnormalities (CECBA). Also called: Nonprogressive cerebellar atxia with intellectual disability. Identifiers: Orphanet 314647, MedGen C3553661, MONDO:0013886, OMIM 614756.

Submission:

3billion
Classification: Uncertain significance for Cerebellar dysfunction with variable cognitive and behavioral abnormalities. Last evaluated: 2024-11-20. Review status: criteria provided, single submitter. Criteria: ACMG Guidelines, 2015. Collection method: clinical testing. Allele origin: germline. Affected: yes.
Comment: The variant is not observed in the gnomAD v4.1.0 dataset. Predicted Consequence/Location: Intron variant In silico tools predict the variant to alter splicing and produce an abnormal transcript [SpliceAI: 0.52 (>=0.2, moderate evidence for spliceogenicity)]. Therefore, this variant is classified as VUS according to the recommendation of ACMG/AMP guideline.

NM_015215.4(CAMTA1):c.234+41000A>G

Gene: CAMTA1 (calmodulin binding transcription activator 1; plus strand). Cytogenetic location: 1p36.31.
Variant type: single nucleotide variant.
Coding change: c.234+41000A>G on transcript NM_015215.4 (MANE Select); 41000 bases into the intron after coding-DNA position 234, A replaced by G.
Molecular consequence: intron variant.
Genome position (GRCh38, 1-based): chr1:6,866,210, A>G. VCF-style: chr1-6866210-A-G. GRCh37 (hg19) VCF-style: chr1-6926270-A-G.
Other names: c.234+41000A>G (NM_001349609.2, NM_001349610.2, NM_001410737.1 and 1 more transcripts); c.144+41000A>G (NM_001349608.2, NM_001349612.2); c.235-21444A>G (NM_001242701.2); c.271-5547A>G (NM_001349627.2); c.235-5547A>G (NM_001195563.2).
Identifiers: ClinVar variation 4293900 (VCV004293900.1).